The following is an entry in ClinVar:

ClinVar aggregate classification (germline): Uncertain significance (1 of 4 stars; one submission).

Submission:

CeGaT Center for Human Genetics Tuebingen
Classification: Uncertain significance. Last evaluated: 2024-01-01. Review status: criteria provided, single submitter. Criteria: CeGaT Center For Human Genetics Tuebingen Variant Classification Criteria Version 2. Collection method: clinical testing. Allele origin: germline. Affected: yes. Observed: 1 variant allele.
Comment: USP9Y: PM2

NM_004654.4(USP9Y):c.6476G>A (p.Arg2159Lys)

Gene: USP9Y (ubiquitin specific peptidase 9 Y-linked; plus strand). Cytogenetic location: Yq11.221.
Variant type: single nucleotide variant.
Coding change: c.6476G>A on transcript NM_004654.4 (MANE Select); coding-DNA position 6476, G replaced by A.
Protein change: p.Arg2159Lys; replaces arginine 2159 with lysine.
Molecular consequence: missense variant.
Genome position (GRCh38, 1-based): chrY:12,843,101, G>A. VCF-style: chrY-12843101-G-A. GRCh37 (hg19) VCF-style: chrY-14955026-G-A.
Other names: short protein forms R2159K.
Identifiers: ClinVar variation 3026811 (VCV003026811.22), dbSNP rs2521736567, ClinGen allele CA415006677.